The following is an entry in ClinVar:

ClinVar aggregate classification (germline): Likely pathogenic (1 of 4 stars; one submission).

Conditions:
Developmental malformations-deafness-dystonia syndrome (DDS1). Identifiers: Orphanet 79107, MedGen C5848323, MONDO:0011823, OMIM 607371.

Submission:

Victorian Clinical Genetics Services, Murdoch Childrens Research Institute
Classification: Likely pathogenic for Developmental malformations-deafness-dystonia syndrome. Last evaluated: 2022-02-02. Review status: criteria provided, single submitter. Criteria: ACMG Guidelines, 2015. Collection method: clinical testing. Allele origin: germline.
Comment: Based on the classification scheme VCGS_Germline_v0.6.1, this variant is classified as Likely pathogenic. Following criteria are met: 0103 - Both loss and gain of function are known mechanism of disease for this gene. Pathogenic loss of function variants are associated with autosomal dominant ACTB-related neurodevelopment disorder. Pathogenic gain of function variants are associated with Baraitser-Winter syndrome (PMID: 29220674). 0107 - This gene is known to be associated with autosomal dominant disease. 0205 - Variant is predicted to result in a truncated protein with less than 1/3 of the protein affected (exon 6 of 6) 0301 - Variant is absent from gnomAD. 0401 - Variant is located in a gene associated with a severe early onset DOMINANT condition that is INTOLERANT to loss-of-function variants. 0600 - Variant is located in an annotated domain or motif that does not have a well established function (Actin domain; NCBI). 0703 - Comparable variant in relevant codon/region has moderate previous evidence for pathogenicity. Other variants predicted to cause a truncated protein have been reported as pathogenic in individuals with ACTB-related neurodevelopment disorder (ClinVar, PMID: 29220674). 0807 - Variant has not previously been reported in a clinical context. 0905 - No published segregation evidence has been identified for this variant. 1007 - No published functional evidence has been identified for this variant. 1204 - De Novo Variant (Parental status not tested but assumed) Legend: (P) - Pathogenic, (N) - Neutral, (B) - Benign

Literature cited by the submitters: PubMed 29220674.

NM_001101.5(ACTB):c.1077_1078delinsTT (p.Lys359_Gln360delinsAsnTer)

Gene: ACTB (actin beta; minus strand). Cytogenetic location: 7p22.1.
Variant type: Indel.
Coding change: c.1077_1078delinsTT on transcript NM_001101.5 (MANE Select); coding-DNA positions 1077 to 1078, GC replaced by TT.
Protein change: p.Lys359_Gln360delinsAsnTer.
Molecular consequence: nonsense.
Genome position (GRCh38, 1-based): chr7:5,527,798-5,527,799, GC replaced by AA on the plus strand (GC replaced by TT on the coding strand, the reverse complement: ACTB is on the minus strand). VCF-style: chr7-5527798-GC-AA. GRCh37 (hg19) VCF-style: chr7-5567429-GC-AA.
Identifiers: ClinVar variation 1805665 (VCV001805665.1), dbSNP rs2533845857, ClinGen allele CA2573050707.